The following is an entry in ClinVar:

NM_001378454.1(ALMS1):c.7250G>C (p.Ser2417Thr)

Gene: ALMS1 (ALMS1 centrosome and basal body associated protein; plus strand). Cytogenetic location: 2p13.1.
Variant type: single nucleotide variant.
Coding change: c.7250G>C on transcript NM_001378454.1 (MANE Select); coding-DNA position 7250, G replaced by C.
Protein change: p.Ser2417Thr; replaces serine 2417 with threonine.
Molecular consequence: missense variant.
Genome position (GRCh38, 1-based): chr2:73,453,777, G>C. VCF-style: chr2-73453777-G-C. GRCh37 (hg19) VCF-style: chr2-73680904-G-C.
Other names: c.7253G>C, p.Ser2418Thr (NM_015120.4); short protein forms S2417T, S2418T.
Identifiers: ClinVar variation 2196217 (VCV002196217.4), dbSNP rs780529444, ClinGen allele CA347291881.
Genomic context (GRCh38, chr2:73,453,777, plus strand): 5'-GAACCATTGGGAATAAAATTATTATCCCTATGATGACTGTCATAAAAAGTGATTCAAGTA[G>C]TGATGCCAGTGATGGAAATGGTTCCTGCTCGTGGGACAGTAATTTACCAGAGTCTTTGGA-3'
Protein context (NP_001365383.1, residues 2407-2427): MMTVIKSDSS[Ser2417Thr]DASDGNGSCS

ClinVar aggregate classification (germline): Uncertain significance (1 of 4 stars; one submission).

Conditions:
Alstrom syndrome (ALMS). Identifiers: Orphanet 64, MedGen C0268425, MONDO:0008763, OMIM 203800.

Submission:

Labcorp Genetics (formerly Invitae), Labcorp
Classification: Uncertain significance for Alstrom syndrome. Last evaluated: 2022-07-26. Review status: criteria provided, single submitter. Criteria: Invitae Variant Classification Sherloc (09022015). Collection method: clinical testing. Allele origin: germline.
Comment: In summary, the available evidence is currently insufficient to determine the role of this variant in disease. Therefore, it has been classified as a Variant of Uncertain Significance. Experimental studies and prediction algorithms are not available or were not evaluated, and the functional significance of this variant is currently unknown. This variant has not been reported in the literature in individuals affected with ALMS1-related conditions. This variant is not present in population databases (gnomAD no frequency). This sequence change replaces serine, which is neutral and polar, with threonine, which is neutral and polar, at codon 2418 of the ALMS1 protein (p.Ser2418Thr).